The following is an entry in ClinVar:

ClinVar aggregate classification (germline): Benign/Likely benign. Review status: criteria provided, multiple submitters, no conflicts (2 of 4 stars). 6 submissions from 6 submitters: Benign (1); Likely benign (5). Last evaluated 2026-01-27.

Conditions:
CDH23-related disorder. Also called: CDH23-related condition; CDH23-related disorders.

Allele frequency attached by ClinVar (database versions not stated): TOPMed 0.00014; 1000 Genomes Project 30x 0.00062; 1000 Genomes Project 0.00080.
gnomAD v4.1: 211 of 1,602,382 alleles (0.013%); highest among the groups gnomAD compares: East Asian, 0.059%; no homozygotes.

Submissions (6):

Labcorp Genetics (formerly Invitae), Labcorp
Classification: Likely benign. Last evaluated: 2026-01-27. Review status: criteria provided, single submitter. Criteria: Invitae Variant Classification Sherloc (09022015). Collection method: clinical testing. Allele origin: germline.

PreventionGenetics, part of Exact Sciences
Classification: Likely benign for CDH23-related condition. Last evaluated: 2025-04-10. Review status: criteria provided, single submitter. Criteria: ACMG Guidelines, 2015. Collection method: clinical testing. Allele origin: germline.
Comment: This variant is classified as likely benign based on ACMG/AMP sequence variant interpretation guidelines (Richards et al. 2015 PMID: 25741868, with internal and published modifications).

Laboratory of Genetics, Children's Clinical University Hospital Latvia
Classification: Benign. Last evaluated: 2025-02-16. Review status: criteria provided, single submitter. Criteria: ACMG Guidelines, 2015. Collection method: clinical testing. Allele origin: germline. Affected: yes.

Blueprint Genetics
Classification: Likely benign. Last evaluated: 2024-10-07. Review status: criteria provided, single submitter. Criteria: ACMG Guidelines, 2015. Collection method: clinical testing. Allele origin: germline.

GeneDx
Classification: Likely benign. Last evaluated: 2020-09-24. Review status: criteria provided, single submitter. Criteria: GeneDx Variant Classification Process June 2021. Collection method: clinical testing. Allele origin: germline. Affected: yes.
Comment: This variant is associated with the following publications: (PMID: 18429043)

Laboratory for Molecular Medicine, Mass General Brigham Personalized Medicine
Classification: Likely benign. Last evaluated: 2016-01-12. Review status: criteria provided, single submitter. Criteria: LMM Criteria. Collection method: clinical testing. Allele origin: germline. Observed: 1 variant allele.
Comment: p.Asp2858Asp in exon 60 of CDH23: This variant is not expected to have clinical significance because it does not alter an amino acid residue and is not located within the splice consensus sequence. It has been identified in 0.2% (6/3758) of East Asian chromosomes by the Exome Aggregation Consortium (ExAC; dbSNP rs572176102).

Literature cited by the submitters: PubMed 18429043 (cited by Laboratory for Molecular Medicine, Mass General Brigham Personalized Medicine).

NM_022124.6(CDH23):c.8574C>T (p.Asp2858=)

Gene: CDH23 (cadherin related 23; plus strand). Cytogenetic location: 10q22.1.
Variant type: single nucleotide variant.
Coding change: c.8574C>T on transcript NM_022124.6 (MANE Select); coding-DNA position 8574, C replaced by T.
Protein change: p.Asp2858=; no amino-acid change (aspartic acid 2858 retained).
Molecular consequence: synonymous variant.
Genome position (GRCh38, 1-based): chr10:71,807,859, C>T. VCF-style: chr10-71807859-C-T. GRCh37 (hg19) VCF-style: chr10-73567616-C-T.
Other names: c.1854C>T, p.Asp618= (NM_001171933.1, NM_001171934.1).
Identifiers: ClinVar variation 227238 (VCV000227238.21), dbSNP rs572176102, ClinGen allele CA5546695.